The following is an entry in ClinVar:

ClinVar aggregate classification (germline): Uncertain significance (1 of 4 stars; one submission).

Submission:

Dasa
Classification: Uncertain significance. Last evaluated: 2024-06-19. Review status: criteria provided, single submitter. Criteria: DASA Assertion Criteria. Collection method: clinical testing. Allele origin: germline.
Comment: NM_006015.6(ARID1A):c.896T>A (p.Leu299His) is a missense variant that results in the substitution of leucine with histidine. This variant is absent from population databases. Computational prediction algorithms are consistent with a benign effect. The currently available literature and clinical evidence are not sufficient to establish a definitive association between this variant and the reported condition. Therefore, this variant is classified as a variant of uncertain significance.

NM_006015.6(ARID1A):c.896T>A (p.Leu299His)

Genes: ARID1A (AT-rich interaction domain 1A; plus strand), LOC129929837 (ATAC-STARR-seq lymphoblastoid silent region 489; plus strand). Cytogenetic location: 1p36.11.
Variant type: single nucleotide variant.
Coding change: c.896T>A on transcript NM_006015.6 (MANE Select); coding-DNA position 896, T replaced by A.
Protein change: p.Leu299His; replaces leucine 299 with histidine.
Molecular consequence: missense variant.
Genome position (GRCh38, 1-based): chr1:26,697,299, T>A. VCF-style: chr1-26697299-T-A. GRCh37 (hg19) VCF-style: chr1-27023790-T-A.
Other names: c.896T>A, p.Leu299His (NM_139135.4); short protein forms L299H.
Identifiers: ClinVar variation 4881739 (VCV004881739.2).